The following is an entry in ClinVar:

NM_001048174.2(MUTYH):c.413C>T (p.Ser138Phe)

Gene: MUTYH (mutY DNA glycosylase; minus strand). Cytogenetic location: 1p34.1.
Variant type: single nucleotide variant.
Coding change: c.413C>T on transcript NM_001048174.2 (MANE Select); coding-DNA position 413, C replaced by T.
Protein change: p.Ser138Phe; replaces serine 138 with phenylalanine.
Molecular consequence: missense variant. On other transcripts: non-coding transcript variant (2).
Genome position (GRCh38, 1-based): chr1:45,332,925, G>A on the plus strand (C>T on the coding strand, the complement: MUTYH is on the minus strand). VCF-style: chr1-45332925-G-A. GRCh37 (hg19) VCF-style: chr1-45798597-G-A.
Other names: p.S166F:TCC>TTC; c.413C>T, p.Ser138Phe (NM_001048171.2, NM_001048173.2, NM_001293195.2); c.416C>T, p.Ser139Phe (NM_001048172.2); c.497C>T, p.Ser166Phe (NM_001128425.2); c.458C>T, p.Ser153Phe (NM_001293190.2); c.446C>T, p.Ser149Phe (NM_001293191.2); c.137C>T, p.Ser46Phe (NM_001293192.2, NM_001293196.2); c.68C>T, p.Ser23Phe (NM_001350650.2, NM_001350651.2); and 1 more; short protein forms S166F, S149F, S23F, S46F, S138F, S139F, S153F, S163F.
Identifiers: ClinVar variation 127844 (VCV000127844.10), dbSNP rs587780087, ClinGen allele CA013678.

ClinVar aggregate classification (germline): Uncertain significance. Review status: criteria provided, multiple submitters, no conflicts (2 of 4 stars). 3 submissions from 3 submitters: Uncertain significance (3). Last evaluated 2026-01-14.

Conditions:
Hereditary cancer-predisposing syndrome. Also called: Tumor predisposition; Hereditary neoplastic syndrome; Neoplastic Syndromes, Hereditary; Hereditary Cancer Syndrome. Identifiers: Orphanet 140162, MedGen C0027672, MeSH D009386, MONDO:0015356.
Familial adenomatous polyposis 2. Also called: Adenomas, multiple colorectal; MUTYH-associated polyposis; MUTYH-related attenuated familial adenomatous polyposis; MUTYH Polyposis; COLORECTAL ADENOMATOUS POLYPOSIS, AUTOSOMAL RECESSIVE; ADENOMAS, MULTIPLE COLORECTAL, AUTOSOMAL RECESSIVE. Identifiers: Orphanet 220460, Orphanet 247798, MedGen C3272841, MONDO:0012041, OMIM 608456.

Allele frequency attached by ClinVar (database versions not stated): gnomAD exomes below 0.00001; TOPMed 0.00001; gnomAD 0.00001.
gnomAD v4.1: 2 of 1,614,034 alleles (0.00012%); highest among the groups gnomAD compares: East Asian, 0.0022%; no homozygotes.

Submissions (3):

Labcorp Genetics (formerly Invitae), Labcorp
Classification: Uncertain significance for Familial adenomatous polyposis 2. Last evaluated: 2026-01-14. Review status: criteria provided, single submitter. Criteria: Invitae Variant Classification Sherloc (09022015). Collection method: clinical testing. Allele origin: germline.
Comment: This sequence change replaces serine, which is neutral and polar, with phenylalanine, which is neutral and non-polar, at codon 166 of the MUTYH protein (p.Ser166Phe). This variant is present in population databases (rs587780087, gnomAD 0.006%). This variant has not been reported in the literature in individuals affected with MUTYH-related conditions. ClinVar contains an entry for this variant (Variation ID: 127844). An algorithm developed to predict the effect of missense changes on protein structure and function (PolyPhen-2) suggests that this variant is likely to be disruptive. In summary, the available evidence is currently insufficient to determine the role of this variant in disease. Therefore, it has been classified as a Variant of Uncertain Significance.

Ambry Genetics
Classification: Uncertain significance for Hereditary cancer-predisposing syndrome. Last evaluated: 2023-03-24. Review status: criteria provided, single submitter. Criteria: Ambry Variant Classification Scheme 2023. Collection method: clinical testing. Allele origin: germline.
Comment: The p.S166F variant (also known as c.497C>T), located in coding exon 6 of the MUTYH gene, results from a C to T substitution at nucleotide position 497. The serine at codon 166 is replaced by phenylalanine, an amino acid with highly dissimilar properties. This amino acid position is conserved. In addition, the in silico prediction for this alteration is inconclusive. Since supporting evidence is limited at this time, the clinical significance of this alteration remains unclear.

GeneDx
Classification: Uncertain significance. Last evaluated: 2014-02-11. Review status: criteria provided, single submitter. Criteria: GeneDx Variant Classification (06012015). Collection method: clinical testing. Allele origin: germline. Affected: yes.
Comment: This variant is denoted MUTYH c.497C>T at the cDNA level, p.Ser166Phe (S166F) at the protein level, and results in the change of a Serine to a Phenylalanine (TCC>TTC). This variant has not, to our knowledge, been published in the literature as pathogenic or benign. MUTYH Ser166Phe was not observed in approximately 6,500 individuals of European and African American ancestry in the NHLBI Exome Sequencing Project, indicating it is not a common benign variant in these populations. This variant is a non-conservative substitution in which a neutral polar amino acid is replaced with a neutral non-polar one, altering a position that is well conserved throughout evolution and is not located in a known functional domain. Multiple in silico algorithms predict that this variant may be damaging to protein structure and function. Based on the currently available information, we consider MUTYH Ser166Phe to be a variant of uncertain significance.